The following is an entry in ClinVar:

NM_000257.4(MYH7):c.3972+1G>A

Gene: MYH7 (myosin heavy chain 7; minus strand). Cytogenetic location: 14q11.2.
Variant type: single nucleotide variant.
Coding change: c.3972+1G>A on transcript NM_000257.4 (MANE Select); the canonical splice donor site of the intron after coding-DNA position 3972, G replaced by A.
Molecular consequence: splice donor variant.
Genome position (GRCh38, 1-based): chr14:23,419,176, C>T on the plus strand (G>A on the coding strand, the complement: MYH7 is on the minus strand). VCF-style: chr14-23419176-C-T. GRCh37 (hg19) VCF-style: chr14-23888385-C-T.
Other names: c.3972+1G>A (NM_001407004.1).
Identifiers: ClinVar variation 3073969 (VCV003073969.1), dbSNP rs2502260013, ClinGen allele CA389041400.

ClinVar aggregate classification (germline): Uncertain significance (1 of 4 stars; one submission).

Conditions:
Cardiomyopathy (CMYO). Also called: Cardiomyopathies. Identifiers: Orphanet 167848, MedGen C0878544, MONDO:0004994, HP:0001638. Inheritance: Various modes of inheritance.

Allele frequency attached by ClinVar (database versions not stated): gnomAD exomes below 0.00001.
gnomAD v4.1: 1 of 1,614,192 alleles (0.000062%); highest among the groups gnomAD compares: African/African-American, 0.0013%; no homozygotes.

Submission:

All of Us Research Program, National Institutes of Health
Classification: Uncertain significance for Cardiomyopathy. Last evaluated: 2023-11-30. Review status: criteria provided, single submitter. Criteria: ACMG Guidelines, 2015. Collection method: clinical testing. Allele origin: germline. Inheritance: Autosomal dominant inheritance. Observed: 1 variant allele, 1 heterozygote.
Comment: This study involves interpretation of variants in research participants for the purpose of population health screening. Participant phenotype was not available at the time of variant classification. Additional details can be found in publication PMID: 35346344, PMCID: PMC8962531